The following is an entry in ClinVar:

ClinVar aggregate classification (germline): Uncertain significance. Review status: criteria provided, multiple submitters, no conflicts (2 of 4 stars). 3 submissions from 3 submitters: Uncertain significance (3). Last evaluated 2025-05-15.

Conditions:
Congenital myasthenic syndrome 2A. Also called: Myasthenic syndrome, congenital, 2a, slow-channel. Identifiers: Orphanet 590, MedGen C4225374, MONDO:0014581, OMIM 616313.
Congenital myasthenic syndrome 2C. Also called: Myasthenic syndrome, congenital, 2C, associated with acetylcholine receptor deficiency. Identifiers: Orphanet 590, MedGen C4225373, MONDO:0014582, OMIM 616314.

Allele frequency attached by ClinVar (database versions not stated): gnomAD exomes below 0.00001; gnomAD 0.00003; TOPMed 0.00005.
gnomAD v4.1: 7 of 1,612,738 alleles (0.00043%); highest among the groups gnomAD compares: Admixed American, 0.0083%; no homozygotes.

Submissions (3):

GeneDx
Classification: Uncertain significance. Last evaluated: 2025-05-15. Review status: criteria provided, single submitter. Criteria: GeneDx Variant Classification Process June 2021. Collection method: clinical testing. Allele origin: germline. Affected: yes.
Comment: Has not been previously published as pathogenic or benign to our knowledge; In silico analysis suggests this variant may impact gene splicing. In the absence of RNA/functional studies, the actual effect of this sequence change is unknown.

Labcorp Genetics (formerly Invitae), Labcorp
Classification: Uncertain significance for Congenital myasthenic syndrome 2A. Last evaluated: 2023-11-08. Review status: criteria provided, single submitter. Criteria: Invitae Variant Classification Sherloc (09022015). Collection method: clinical testing. Allele origin: germline.
Comment: This sequence change falls in intron 10 of the CHRNB1 gene. It does not directly change the encoded amino acid sequence of the CHRNB1 protein. It affects a nucleotide within the consensus splice site. This variant is not present in population databases (gnomAD no frequency). This variant has not been reported in the literature in individuals affected with CHRNB1-related conditions. ClinVar contains an entry for this variant (Variation ID: 1342362). Variants that disrupt the consensus splice site are a relatively common cause of aberrant splicing (PMID: 17576681, 9536098). Algorithms developed to predict the effect of sequence changes on RNA splicing suggest that this variant may disrupt the consensus splice site. In summary, the available evidence is currently insufficient to determine the role of this variant in disease. Therefore, it has been classified as a Variant of Uncertain Significance.

New York Genome Center
Classification: Uncertain significance for Congenital myasthenic syndrome 2C; Congenital myasthenic syndrome 2A. Last evaluated: 2021-03-05. Review status: criteria provided, single submitter. Criteria: NYGC Assertion Criteria 2020. Collection method: clinical testing. Allele origin: germline. Observed: 1 heterozygote. Study: CSER-NYCKidSeq.

Literature cited by the submitters: PubMed 17576681 (cited by Labcorp Genetics (formerly Invitae), Labcorp); PubMed 9536098 (cited by Labcorp Genetics (formerly Invitae), Labcorp).

NM_000747.3(CHRNB1):c.1365+5G>C

Gene: CHRNB1 (cholinergic receptor nicotinic beta 1 subunit; plus strand). Cytogenetic location: 17p13.1.
Variant type: single nucleotide variant.
Coding change: c.1365+5G>C on transcript NM_000747.3 (MANE Select); 5 bases into the intron after coding-DNA position 1365, G replaced by C.
Molecular consequence: intron variant.
Genome position (GRCh38, 1-based): chr17:7,455,946, G>C. VCF-style: chr17-7455946-G-C. GRCh37 (hg19) VCF-style: chr17-7359265-G-C.
Identifiers: ClinVar variation 1342362 (VCV001342362.6), dbSNP rs1051316024, ClinGen allele CA287432653.